The following is an entry in ClinVar:

ClinVar aggregate classification (germline): Uncertain significance. Review status: criteria provided, single submitter (1 of 4 stars). 2 submissions from 2 submitters: Uncertain significance (1). 1 of the submissions does not count toward it. Last evaluated 2023-12-19.

Conditions:
TWNK-related disorder. Also called: TWNK-related condition.

Allele frequency attached by ClinVar (database versions not stated): gnomAD exomes 0.00001; ExAC 0.00002; gnomAD 0.00004; TOPMed 0.00004; ESP Exome Variant Server 0.00008.

Submissions (2):

Labcorp Genetics (formerly Invitae), Labcorp
Classification: Uncertain significance. Last evaluated: 2023-12-19. Review status: criteria provided, single submitter. Criteria: Invitae Variant Classification Sherloc (09022015). Collection method: clinical testing. Allele origin: germline.
Comment: This sequence change replaces proline, which is neutral and non-polar, with arginine, which is basic and polar, at codon 168 of the TWNK protein (p.Pro168Arg). The frequency data for this variant in the population databases is considered unreliable, as metrics indicate poor data quality at this position in the gnomAD database. This variant has not been reported in the literature in individuals affected with TWNK-related conditions. Advanced modeling of protein sequence and biophysical properties (such as structural, functional, and spatial information, amino acid conservation, physicochemical variation, residue mobility, and thermodynamic stability) performed at Invitae indicates that this missense variant is not expected to disrupt TWNK protein function with a negative predictive value of 80%. In summary, the available evidence is currently insufficient to determine the role of this variant in disease. Therefore, it has been classified as a Variant of Uncertain Significance.

PreventionGenetics, part of Exact Sciences
Classification: Uncertain significance for TWNK-related condition. Last evaluated: 2024-09-07. Review status: no assertion criteria provided. Collection method: clinical testing. Allele origin: germline. Not counted in ClinVar's aggregate classification.
Comment: The TWNK c.503C>G variant is predicted to result in the amino acid substitution p.Pro168Arg. To our knowledge, this variant has not been reported in the literature. This variant is reported in 0.018% of alleles in individuals of African descent in gnomAD. At this time, the clinical significance of this variant is uncertain due to the absence of conclusive functional and genetic evidence.

NM_021830.5(TWNK):c.503C>G (p.Pro168Arg)

Gene: TWNK (twinkle mtDNA helicase; plus strand). Cytogenetic location: 10q24.31.
Variant type: single nucleotide variant.
Coding change: c.503C>G on transcript NM_021830.5 (MANE Select); coding-DNA position 503, C replaced by G.
Protein change: p.Pro168Arg; replaces proline 168 with arginine.
Molecular consequence: missense variant. On other transcripts: non-coding transcript variant (4), intron variant (3).
Genome position (GRCh38, 1-based): chr10:100,988,713, C>G. VCF-style: chr10-100988713-C-G. GRCh37 (hg19) VCF-style: chr10-102748470-C-G.
Other names: c.503C>G (NM_021830.4); c.503C>G, p.Pro168Arg (NM_001163812.2); c.-119-931C>G (NM_001163814.2, NM_001163813.2); c.-57-993C>G (NM_001368275.1); short protein forms P168R.
Identifiers: ClinVar variation 2975240 (VCV002975240.4), dbSNP rs370756491, ClinGen allele CA5653071.